The following is an entry in ClinVar:

NM_001371596.2(MFSD8):c.52C>T (p.Pro18Ser)

Gene: MFSD8 (major facilitator superfamily domain containing 8; minus strand). Cytogenetic location: 4q28.2.
Variant type: single nucleotide variant.
Coding change: c.52C>T on transcript NM_001371596.2 (MANE Select); coding-DNA position 52, C replaced by T.
Protein change: p.Pro18Ser; replaces proline 18 with serine.
Molecular consequence: missense variant. On other transcripts: 5 prime UTR variant (1), intron variant (2).
Genome position (GRCh38, 1-based): chr4:127,965,082, G>A on the plus strand (C>T on the coding strand, the complement: MFSD8 is on the minus strand). VCF-style: chr4-127965082-G-A. GRCh37 (hg19) VCF-style: chr4-128886237-G-A.
Other names: c.52C>T, p.Pro18Ser (NM_001363520.3, NM_001363521.3, NM_001371591.2 and 5 more transcripts); c.-82C>T (NM_001371595.1); c.-74+815C>T (NM_001410765.1, NM_001371590.2); short protein forms P18S.
Identifiers: ClinVar variation 1410030 (VCV001410030.8), dbSNP rs2149008240, ClinGen allele CA358165752.

ClinVar aggregate classification (germline): Uncertain significance (1 of 4 stars; one submission).

Conditions:
Neuronal ceroid lipofuscinosis 7 (CLN7). Also called: MFSD8-Related Neuronal Ceroid-Lipofuscinosis. Identifiers: Orphanet 168491, Orphanet 228366, MedGen C1838571, MONDO:0012588, OMIM 610951.

gnomAD v4.1: 1 of 1,613,886 alleles (0.000062%); no homozygotes.

Submission:

Labcorp Genetics (formerly Invitae), Labcorp
Classification: Uncertain significance for Neuronal ceroid lipofuscinosis 7. Last evaluated: 2024-02-17. Review status: criteria provided, single submitter. Criteria: Invitae Variant Classification Sherloc (09022015). Collection method: clinical testing. Allele origin: germline.
Comment: This sequence change replaces proline, which is neutral and non-polar, with serine, which is neutral and polar, at codon 18 of the MFSD8 protein (p.Pro18Ser). This variant is not present in population databases (gnomAD no frequency). This variant has not been reported in the literature in individuals affected with MFSD8-related conditions. ClinVar contains an entry for this variant (Variation ID: 1410030). Algorithms developed to predict the effect of missense changes on protein structure and function output the following: SIFT: "Not Available"; PolyPhen-2: "Benign"; Align-GVGD: "Not Available". The serine amino acid residue is found in multiple mammalian species, which suggests that this missense change does not adversely affect protein function. In summary, the available evidence is currently insufficient to determine the role of this variant in disease. Therefore, it has been classified as a Variant of Uncertain Significance.